The following is an entry in ClinVar:

ClinVar aggregate classification (germline): Uncertain significance (1 of 4 stars; one submission).

Conditions:
Inborn genetic diseases. Identifiers: MedGen C0950123, MeSH D030342.

gnomAD v4.1: 3 of 1,614,070 alleles (0.00019%); highest among the groups gnomAD compares: Non-Finnish European, 0.00025%; no homozygotes.

Submission:

Ambry Genetics
Classification: Uncertain significance for Inborn genetic diseases. Last evaluated: 2024-12-31. Review status: criteria provided, single submitter. Criteria: Ambry Variant Classification Scheme 2023. Collection method: clinical testing. Allele origin: germline.
Comment: The p.R239L variant (also known as c.716G>T), located in coding exon 6 of the PAX5 gene, results from a G to T substitution at nucleotide position 716. The arginine at codon 239 is replaced by leucine, an amino acid with dissimilar properties. This amino acid position is conserved. In addition, this alteration is predicted to be deleterious by in silico analysis. Based on the available evidence, the clinical significance of this variant remains unclear.

NM_016734.3(PAX5):c.716G>T (p.Arg239Leu)

Gene: PAX5 (paired box 5; minus strand). Cytogenetic location: 9p13.2.
Variant type: single nucleotide variant.
Coding change: c.716G>T on transcript NM_016734.3 (MANE Select); coding-DNA position 716, G replaced by T.
Protein change: p.Arg239Leu; replaces arginine 239 with leucine.
Molecular consequence: missense variant. On other transcripts: non-coding transcript variant (2).
Genome position (GRCh38, 1-based): chr9:36,966,613, C>A on the plus strand (G>T on the coding strand, the complement: PAX5 is on the minus strand). VCF-style: chr9-36966613-C-A. GRCh37 (hg19) VCF-style: chr9-36966610-C-A.
Other names: c.716G>T, p.Arg239Leu (NM_001280547.2, NM_001280548.2, NM_001280549.2 and 2 more transcripts); c.392G>T, p.Arg131Leu (NM_001280551.2, NM_001280556.2); c.587G>T, p.Arg196Leu (NM_001280553.2, NM_001280554.2); c.518G>T, p.Arg173Leu (NM_001280555.2); short protein forms R131L, R196L, R239L, R173L.
Identifiers: ClinVar variation 3885907 (VCV003885907.1).